The following is an entry in ClinVar:

ClinVar aggregate classification (germline): Uncertain significance (1 of 4 stars; one submission).

Allele frequency attached by ClinVar (database versions not stated): TOPMed 0.00003.

Submission:

Labcorp Genetics (formerly Invitae), Labcorp
Classification: Uncertain significance. Last evaluated: 2024-03-04. Review status: criteria provided, single submitter. Criteria: Invitae Variant Classification Sherloc (09022015). Collection method: clinical testing. Allele origin: germline.
Comment: This sequence change replaces alanine, which is neutral and non-polar, with serine, which is neutral and polar, at codon 193 of the RP2 protein (p.Ala193Ser). This variant is not present in population databases (gnomAD no frequency). This variant has not been reported in the literature in individuals affected with RP2-related conditions. ClinVar contains an entry for this variant (Variation ID: 1017066). Advanced modeling of protein sequence and biophysical properties (such as structural, functional, and spatial information, amino acid conservation, physicochemical variation, residue mobility, and thermodynamic stability) has been performed at Invitae for this missense variant, however the output from this modeling did not meet the statistical confidence thresholds required to predict the impact of this variant on RP2 protein function. In summary, the available evidence is currently insufficient to determine the role of this variant in disease. Therefore, it has been classified as a Variant of Uncertain Significance.

NM_006915.3(RP2):c.577G>T (p.Ala193Ser)

Gene: RP2 (RP2 activator of ARL3 GTPase; plus strand). Cytogenetic location: Xp11.3.
Variant type: single nucleotide variant.
Coding change: c.577G>T on transcript NM_006915.3 (MANE Select); coding-DNA position 577, G replaced by T.
Protein change: p.Ala193Ser; replaces alanine 193 with serine.
Molecular consequence: missense variant.
Genome position (GRCh38, 1-based): chrX:46,853,950, G>T. VCF-style: chrX-46853950-G-T. GRCh37 (hg19) VCF-style: chrX-46713385-G-T.
Other names: short protein forms A193S.
Identifiers: ClinVar variation 1017066 (VCV001017066.8), dbSNP rs1296845915, ClinGen allele CA413040255.